The following is an entry in ClinVar:

NM_005359.6(SMAD4):c.*12G>A

Gene: SMAD4 (SMAD family member 4; plus strand). Cytogenetic location: 18q21.2.
Variant type: single nucleotide variant.
Coding change: c.*12G>A on transcript NM_005359.6 (MANE Select); 12 bases downstream of the stop codon, G replaced by A.
Molecular consequence: 3 prime UTR variant.
Genome position (GRCh38, 1-based): chr18:51,078,479, G>A. VCF-style: chr18-51078479-G-A. GRCh37 (hg19) VCF-style: chr18-48604849-G-A.
Identifiers: ClinVar variation 379499 (VCV000379499.11), dbSNP rs148687037, ClinGen allele CA8966114.

ClinVar aggregate classification (germline): Benign/Likely benign. Review status: criteria provided, multiple submitters, no conflicts (2 of 4 stars). 8 submissions from 6 submitters: Benign (2); Likely benign (6). Last evaluated 2025-03-04.

Conditions:
Juvenile polyposis/hereditary hemorrhagic telangiectasia syndrome (JPHT). Also called: JP/HHT SYNDROME; JUVENILE POLYPOSIS WITH HEREDITARY HEMORRHAGIC TELANGIECTASIA; POLYPOSIS, GENERALIZED JUVENILE, WITH PULMONARY ARTERIOVENOUS MALFORMATION; TELANGIECTASIA, HEREDITARY HEMORRHAGIC, WITH JUVENILE POLYPOSIS COLI; Juvenile Polyposis Syndrome / Hereditary Hemorrhagic Telangiectasia (JPS/HHT). Identifiers: Orphanet 2929, MedGen C1832942, MONDO:0008278, OMIM 175050.
Generalized juvenile polyposis/juvenile polyposis coli. Also called: Juvenile polyposis coli. Identifiers: Orphanet 329971, MedGen C1868081, MONDO:0008276.
Hereditary cancer-predisposing syndrome. Also called: Neoplastic Syndromes, Hereditary; Tumor predisposition; Hereditary Cancer Syndrome; Hereditary neoplastic syndrome. Identifiers: Orphanet 140162, MedGen C0027672, MeSH D009386, MONDO:0015356.
Myhre syndrome (MYHRS). Also called: LARYNGOTRACHEAL STENOSIS, ARTHROPATHY, PROGNATHISM, AND SHORT STATURE; LAPS SYNDROME. Identifiers: Orphanet 2588, MedGen C0796081, MONDO:0007688, OMIM 139210.

Allele frequency attached by ClinVar (database versions not stated): TOPMed 0.00002; ESP Exome Variant Server 0.00008; gnomAD 0.00009; gnomAD exomes 0.00010; 1000 Genomes Project 30x 0.00078; 1000 Genomes Project 0.00100.
gnomAD v4.1: 334 of 1,588,950 alleles (0.021%); highest among the groups gnomAD compares: East Asian, 0.57%; 2 homozygotes.

Submissions (8):

Center for Genomic Medicine, Rigshospitalet, Copenhagen University Hospital
Classification: Likely benign. Last evaluated: 2025-03-04. Review status: criteria provided, single submitter. Criteria: ACMG Guidelines, 2015. Collection method: clinical testing. Allele origin: germline.

Blueprint Genetics
Classification: Likely benign. Last evaluated: 2024-11-20. Review status: criteria provided, single submitter. Criteria: ACMG Guidelines, 2015. Collection method: clinical testing. Allele origin: germline.

Department of Pathology and Laboratory Medicine, Sinai Health System
Classification: Likely benign for juvenile polyposis/hereditary hemorrhagic telangiectasia syndrome. Last evaluated: 2020-12-02. Review status: criteria provided, single submitter. Criteria: ACMG Guidelines, 2015. Collection method: clinical testing. Allele origin: germline. Affected: yes.

Illumina Laboratory Services, Illumina
Classification: Likely benign for Juvenile polyposis/hereditary hemorrhagic telangiectasia syndrome. Last evaluated: 2018-01-12. Review status: criteria provided, single submitter. Criteria: ICSL Variant Classification Criteria 13 December 2019. Collection method: clinical testing. Allele origin: germline.
Comment: This variant was observed in the ICSL laboratory as part of a predisposition screen in an ostensibly healthy population. It had not been previously curated by ICSL or reported in the Human Gene Mutation Database (HGMD: prior to June 1st, 2018), and was therefore a candidate for classification through an automated scoring system. Utilizing variant allele frequency, disease prevalence and penetrance estimates, and inheritance mode, an automated score was calculated to assess if this variant is too frequent to cause the disease. Based on the score and internal cut-off values, a variant classified as likely benign is not then subjected to further curation. The score for this variant resulted in a classification of likely benign for this disease.

Illumina Laboratory Services, Illumina
Classification: Benign for Juvenile polyposis syndrome. Last evaluated: 2018-01-12. Review status: criteria provided, single submitter. Criteria: ICSL Variant Classification Criteria 13 December 2019. Collection method: clinical testing. Allele origin: germline.
Comment: This variant was observed in the ICSL laboratory as part of a predisposition screen in an ostensibly healthy population. It had not been previously curated by ICSL or reported in the Human Gene Mutation Database (HGMD: prior to June 1st, 2018), and was therefore a candidate for classification through an automated scoring system. Utilizing variant allele frequency, disease prevalence and penetrance estimates, and inheritance mode, an automated score was calculated to assess if this variant is too frequent to cause the disease. Based on the score and internal cut-off values, a variant classified as benign is not then subjected to further curation. The score for this variant resulted in a classification of benign for this disease.

Illumina Laboratory Services, Illumina
Classification: Benign for Myhre syndrome. Last evaluated: 2018-01-12. Review status: criteria provided, single submitter. Criteria: ICSL Variant Classification Criteria 13 December 2019. Collection method: clinical testing. Allele origin: germline.
Comment: the same text as in the submission from Illumina Laboratory Services, Illumina above.

Color Diagnostics, LLC DBA Color Health
Classification: Likely benign for Hereditary cancer-predisposing syndrome. Last evaluated: 2017-02-14. Review status: criteria provided, single submitter. Criteria: ACMG Guidelines, 2015. Collection method: clinical testing. Allele origin: germline.

GeneDx
Classification: Likely benign. Last evaluated: 2016-08-25. Review status: criteria provided, single submitter. Criteria: GeneDx Variant Classification (06012015). Collection method: clinical testing. Allele origin: germline. Affected: yes.
Comment: This variant is considered likely benign or benign based on one or more of the following criteria: it is a conservative change, it occurs at a poorly conserved position in the protein, it is predicted to be benign by multiple in silico algorithms, and/or has population frequency not consistent with disease.